The following is an entry in ClinVar:

ClinVar aggregate classification (germline): Uncertain significance (1 of 4 stars; one submission).

gnomAD v4.1: 23 of 1,613,832 alleles (0.0014%); highest among the groups gnomAD compares: Admixed American, 0.0083%; no homozygotes.

Submission:

Labcorp Genetics (formerly Invitae), Labcorp
Classification: Uncertain significance. Last evaluated: 2025-06-29. Review status: criteria provided, single submitter. Criteria: Invitae Variant Classification Sherloc (09022015). Collection method: clinical testing. Allele origin: germline.
Comment: This sequence change replaces arginine, which is basic and polar, with histidine, which is basic and polar, at codon 2338 of the ACAN protein (p.Arg2338His). This variant is not present in population databases (gnomAD no frequency). This variant has not been reported in the literature in individuals affected with ACAN-related conditions. ClinVar contains an entry for this variant (Variation ID: 3712146). An algorithm developed to predict the effect of missense changes on protein structure and function (PolyPhen-2) suggests that this variant is likely to be disruptive. In summary, the available evidence is currently insufficient to determine the role of this variant in disease. Therefore, it has been classified as a Variant of Uncertain Significance.

NM_001369268.1(ACAN):c.7127G>A (p.Arg2376His)

Gene: ACAN (aggrecan; plus strand). Cytogenetic location: 15q26.1.
Variant type: single nucleotide variant.
Coding change: c.7127G>A on transcript NM_001369268.1 (MANE Select); coding-DNA position 7127, G replaced by A.
Protein change: p.Arg2376His; replaces arginine 2376 with histidine.
Molecular consequence: missense variant.
Genome position (GRCh38, 1-based): chr15:88,871,448, G>A. VCF-style: chr15-88871448-G-A. GRCh37 (hg19) VCF-style: chr15-89414679-G-A.
Other names: c.7013G>A, p.Arg2338His (NM_013227.4, NM_001411097.1); c.6899G>A, p.Arg2300His (NM_001135.4, NM_001411096.1); short protein forms R2376H, R2300H, R2338H.
Identifiers: ClinVar variation 3712146 (VCV003712146.2).